The following is an entry in ClinVar:

NM_020693.4(DSCAML1):c.49C>T (p.Arg17Cys)

Gene: DSCAML1 (DS cell adhesion molecule like 1; minus strand). Cytogenetic location: 11q23.3.
Variant type: single nucleotide variant.
Coding change: c.49C>T on transcript NM_020693.4 (MANE Select); coding-DNA position 49, C replaced by T.
Protein change: p.Arg17Cys; replaces arginine 17 with cysteine.
Molecular consequence: missense variant. On other transcripts: 5 prime UTR variant (1).
Genome position (GRCh38, 1-based): chr11:117,780,808, G>A on the plus strand (C>T on the coding strand, the complement: DSCAML1 is on the minus strand). VCF-style: chr11-117780808-G-A. GRCh37 (hg19) VCF-style: chr11-117651523-G-A.
Other names: c.49C>T, p.Arg17Cys (NM_001367904.1); c.-360C>T (NM_001367905.1); short protein forms R17C.
Identifiers: ClinVar variation 2719239 (VCV002719239.3), dbSNP rs752029392, ClinGen allele CA6297660.

ClinVar aggregate classification (germline): Uncertain significance (1 of 4 stars; one submission).

Allele frequency attached by ClinVar (database versions not stated): gnomAD exomes 0.00001; gnomAD 0.00003; TOPMed 0.00003; ExAC 0.00004.
gnomAD v4.1: 18 of 1,442,000 alleles (0.0012%); highest among the groups gnomAD compares: South Asian, 0.013%; 1 homozygote.

Submission:

Labcorp Genetics (formerly Invitae), Labcorp
Classification: Uncertain significance. Last evaluated: 2023-06-27. Review status: criteria provided, single submitter. Criteria: Invitae Variant Classification Sherloc (09022015). Collection method: clinical testing. Allele origin: germline.
Comment: This sequence change replaces arginine, which is basic and polar, with cysteine, which is neutral and slightly polar, at codon 77 of the DSCAML1 protein (p.Arg77Cys). This variant is present in population databases (rs752029392, gnomAD 0.02%). This variant has not been reported in the literature in individuals affected with DSCAML1-related conditions. An algorithm developed to predict the effect of missense changes on protein structure and function (PolyPhen-2) suggests that this variant is likely to be disruptive. In summary, the available evidence is currently insufficient to determine the role of this variant in disease. Therefore, it has been classified as a Variant of Uncertain Significance.